The following is an entry in ClinVar:

NM_006231.4(POLE):c.6604A>T (p.Thr2202Ser)

Gene: POLE (DNA polymerase epsilon, catalytic subunit; minus strand). Cytogenetic location: 12q24.33.
Variant type: single nucleotide variant.
Coding change: c.6604A>T on transcript NM_006231.4 (MANE Select); coding-DNA position 6604, A replaced by T.
Protein change: p.Thr2202Ser; replaces threonine 2202 with serine.
Molecular consequence: missense variant.
Genome position (GRCh38, 1-based): chr12:132,625,698, T>A on the plus strand (A>T on the coding strand, the complement: POLE is on the minus strand). VCF-style: chr12-132625698-T-A. GRCh37 (hg19) VCF-style: chr12-133202284-T-A.
Other names: short protein forms T2202S.
Identifiers: ClinVar variation 959508 (VCV000959508.12), dbSNP rs2041824025, ClinGen allele CA387366610.

ClinVar aggregate classification (germline): Conflicting classifications of pathogenicity. Review status: criteria provided, conflicting classifications (1 of 4 stars). 2 submissions from 2 submitters: Uncertain significance (1); Likely benign (1). Last evaluated 2025-07-31.

Conditions:
Hereditary cancer-predisposing syndrome. Also called: Tumor predisposition; Hereditary neoplastic syndrome; Neoplastic Syndromes, Hereditary; Hereditary Cancer Syndrome. Identifiers: Orphanet 140162, MedGen C0027672, MeSH D009386, MONDO:0015356.

Submissions (2):

Labcorp Genetics (formerly Invitae), Labcorp
Classification: Uncertain significance. Last evaluated: 2025-07-31. Review status: criteria provided, single submitter. Criteria: Invitae Variant Classification Sherloc (09022015). Collection method: clinical testing. Allele origin: germline.
Comment: This sequence change replaces threonine, which is neutral and polar, with serine, which is neutral and polar, at codon 2202 of the POLE protein (p.Thr2202Ser). This variant is not present in population databases (gnomAD no frequency). This variant has not been reported in the literature in individuals affected with POLE-related conditions. ClinVar contains an entry for this variant (Variation ID: 959508). Invitae Evidence Modeling of protein sequence and biophysical properties (such as structural, functional, and spatial information, amino acid conservation, physicochemical variation, residue mobility, and thermodynamic stability) indicates that this missense variant is not expected to disrupt POLE protein function with a negative predictive value of 80%. In summary, the available evidence is currently insufficient to determine the role of this variant in disease. Therefore, it has been classified as a Variant of Uncertain Significance.

Ambry Genetics
Classification: Likely benign for Hereditary cancer-predisposing syndrome. Last evaluated: 2024-03-29. Review status: criteria provided, single submitter. Criteria: Ambry Variant Classification Scheme 2023. Collection method: clinical testing. Allele origin: germline.